The following is an entry in ClinVar:

NM_020376.4(PNPLA2):c.448G>A (p.Val150Met)

Gene: PNPLA2 (patatin like domain 2, triacylglycerol lipase; plus strand). Cytogenetic location: 11p15.5.
Variant type: single nucleotide variant.
Coding change: c.448G>A on transcript NM_020376.4 (MANE Select); coding-DNA position 448, G replaced by A.
Protein change: p.Val150Met; replaces valine 150 with methionine.
Molecular consequence: missense variant.
Genome position (GRCh38, 1-based): chr11:821,985, G>A. VCF-style: chr11-821985-G-A. GRCh37 (hg19) VCF-style: chr11-821985-G-A.
Other names: short protein forms V150M.
Identifiers: ClinVar variation 666156 (VCV000666156.8), dbSNP rs745927123, ClinGen allele CA5791003.

ClinVar aggregate classification (germline): Uncertain significance. Review status: criteria provided, multiple submitters, no conflicts (2 of 4 stars). 3 submissions from 3 submitters: Uncertain significance (3). Last evaluated 2024-09-11.

Conditions:
Inborn genetic diseases. Identifiers: MedGen C0950123, MeSH D030342.
Neutral lipid storage myopathy (NLSDM). Also called: NEUTRAL LIPID STORAGE DISEASE WITHOUT ICHTHYOSIS. Identifiers: Orphanet 98908, MedGen C1853136, MONDO:0012545, OMIM 610717.

Allele frequency attached by ClinVar (database versions not stated): ExAC below 0.00001; gnomAD 0.00001; gnomAD exomes 0.00003; TOPMed 0.00003.
gnomAD v4.1: 32 of 1,613,690 alleles (0.002%); highest among the groups gnomAD compares: Middle Eastern, 0.049%; no homozygotes.

Submissions (3):

Ambry Genetics
Classification: Uncertain significance for Inborn genetic diseases. Last evaluated: 2024-09-11. Review status: criteria provided, single submitter. Criteria: Ambry Variant Classification Scheme 2023. Collection method: clinical testing. Allele origin: germline.

Revvity Omics, Revvity
Classification: Uncertain significance for Neutral lipid storage myopathy. Last evaluated: 2023-09-28. Review status: criteria provided, single submitter. Criteria: ACMG Guidelines, 2015. Collection method: clinical testing. Allele origin: germline.

Labcorp Genetics (formerly Invitae), Labcorp
Classification: Uncertain significance for Neutral lipid storage myopathy. Last evaluated: 2022-08-15. Review status: criteria provided, single submitter. Criteria: Invitae Variant Classification Sherloc (09022015). Collection method: clinical testing. Allele origin: germline.
Comment: This sequence change replaces valine, which is neutral and non-polar, with methionine, which is neutral and non-polar, at codon 150 of the PNPLA2 protein (p.Val150Met). This variant is present in population databases (rs745927123, gnomAD 0.007%). This variant has not been reported in the literature in individuals affected with PNPLA2-related conditions. ClinVar contains an entry for this variant (Variation ID: 666156). Algorithms developed to predict the effect of missense changes on protein structure and function are either unavailable or do not agree on the potential impact of this missense change (SIFT: "Tolerated"; PolyPhen-2: "Probably Damaging"; Align-GVGD: "Class C0"). In summary, the available evidence is currently insufficient to determine the role of this variant in disease. Therefore, it has been classified as a Variant of Uncertain Significance.